The following is an entry in ClinVar:

NM_139276.3(STAT3):c.251G>A (p.Arg84Gln)

Gene: STAT3 (signal transducer and activator of transcription 3; minus strand). Cytogenetic location: 17q21.2.
Variant type: single nucleotide variant.
Coding change: c.251G>A on transcript NM_139276.3 (MANE Select); coding-DNA position 251, G replaced by A.
Protein change: p.Arg84Gln; replaces arginine 84 with glutamine.
Molecular consequence: missense variant.
Genome position (GRCh38, 1-based): chr17:42,346,591, C>T on the plus strand (G>A on the coding strand, the complement: STAT3 is on the minus strand). VCF-style: chr17-42346591-C-T. GRCh37 (hg19) VCF-style: chr17-40498609-C-T.
Other names: c.251G>A, p.Arg84Gln (NM_001369512.1, NM_001369513.1, NM_001369514.1 and 17 more transcripts); short protein forms R84Q.
Identifiers: ClinVar variation 4084961 (VCV004084961.8).

ClinVar aggregate classification (germline): Uncertain significance (1 of 4 stars; one submission).

Submission:

CeGaT Center for Human Genetics Tuebingen
Classification: Uncertain significance. Last evaluated: 2025-08-01. Review status: criteria provided, single submitter. Criteria: CeGaT Center For Human Genetics Tuebingen Variant Classification Criteria Version 2. Collection method: clinical testing. Allele origin: germline. Affected: yes. Observed: 1 variant allele.
Comment: STAT3: PM2, PP2, PP4, PS4:Supporting